The following is an entry in ClinVar:

NM_198578.4(LRRK2):c.311A>T (p.Asp104Val)

Gene: LRRK2 (leucine rich repeat kinase 2; plus strand). Cytogenetic location: 12q12.
Variant type: single nucleotide variant.
Coding change: c.311A>T on transcript NM_198578.4 (MANE Select); coding-DNA position 311, A replaced by T.
Protein change: p.Asp104Val; replaces aspartic acid 104 with valine.
Molecular consequence: missense variant.
Genome position (GRCh38, 1-based): chr12:40,232,347, A>T. VCF-style: chr12-40232347-A-T. GRCh37 (hg19) VCF-style: chr12-40626149-A-T.
Other names: short protein forms D104V.
Identifiers: ClinVar variation 1727834 (VCV001727834.2), dbSNP rs2499381737, ClinGen allele CA384401621.
Genomic context (GRCh38, chr12:40,232,347, plus strand): 5'-TTCTGTGCAAATTAATAGAAGTCTGTCCAGGTACAATGCAAAGCTTAATGGGACCCCAGG[A>T]TGTTGGAAATGATTGGGAAGTCCTTGGTGTTCACCAGTAAGTATGATAGATATGTAAAAC-3'
Protein context (NP_940980.4, residues 94-114): GTMQSLMGPQ[Asp104Val]VGNDWEVLGV

ClinVar aggregate classification (germline): Uncertain significance (1 of 4 stars; one submission).

Conditions:
Inborn genetic diseases. Identifiers: MedGen C0950123, MeSH D030342.

Submission:

Ambry Genetics
Classification: Uncertain significance for Inborn genetic diseases. Last evaluated: 2022-04-25. Review status: criteria provided, single submitter. Criteria: Ambry Variant Classification Scheme 2023. Collection method: clinical testing. Allele origin: germline.
Comment: The p.D104V variant (also known as c.311A>T), located in coding exon 3 of the LRRK2 gene, results from an A to T substitution at nucleotide position 311. The aspartic acid at codon 104 is replaced by valine, an amino acid with highly dissimilar properties. This amino acid position is conserved. In addition, the in silico prediction for this alteration is inconclusive. Since supporting evidence is limited at this time, the clinical significance of this alteration remains unclear.